The following is an entry in ClinVar:

ClinVar aggregate classification (germline): Uncertain significance (1 of 4 stars; one submission).

Conditions:
Hereditary cancer-predisposing syndrome. Also called: Tumor predisposition; Hereditary neoplastic syndrome; Hereditary Cancer Syndrome; Neoplastic Syndromes, Hereditary. Identifiers: Orphanet 140162, MedGen C0027672, MeSH D009386, MONDO:0015356.

Allele frequency attached by ClinVar (database versions not stated): gnomAD exomes below 0.00001.
gnomAD v4.1: 1 of 1,614,106 alleles (0.000062%); highest among the groups gnomAD compares: Non-Finnish European, 0.000085%; no homozygotes.

Submission:

Ambry Genetics
Classification: Uncertain significance for Hereditary cancer-predisposing syndrome. Last evaluated: 2023-11-16. Review status: criteria provided, single submitter. Criteria: Ambry Variant Classification Scheme 2023. Collection method: clinical testing. Allele origin: germline.
Comment: The p.K108E variant (also known as c.322A>G), located in coding exon 3 of the EPCAM gene, results from an A to G substitution at nucleotide position 322. The lysine at codon 108 is replaced by glutamic acid, an amino acid with similar properties. This amino acid position is conserved. In addition, the in silico prediction for this alteration is inconclusive. Since supporting evidence is limited at this time, the clinical significance of this alteration remains unclear.

NM_002354.3(EPCAM):c.322A>G (p.Lys108Glu)

Gene: EPCAM (epithelial cell adhesion molecule; plus strand). Cytogenetic location: 2p21.
Variant type: single nucleotide variant.
Coding change: c.322A>G on transcript NM_002354.3 (MANE Select); coding-DNA position 322, A replaced by G.
Protein change: p.Lys108Glu; replaces lysine 108 with glutamic acid.
Molecular consequence: missense variant.
Genome position (GRCh38, 1-based): chr2:47,373,945, A>G. VCF-style: chr2-47373945-A-G. GRCh37 (hg19) VCF-style: chr2-47601084-A-G.
Other names: short protein forms K108E.
Identifiers: ClinVar variation 3222104 (VCV003222104.1), dbSNP rs1246534700, ClinGen allele CA346723199.